The following is an entry in ClinVar:

ClinVar aggregate classification (germline): Pathogenic. Review status: criteria provided, multiple submitters, no conflicts (2 of 4 stars). 2 submissions from 2 submitters: Pathogenic (2). Last evaluated 2025-09-29.

Conditions:
Hereditary sclerosing poikiloderma with tendon and pulmonary involvement. Also called: Poikiloderma, hereditary fibrosing, with tendon contractures, myopathy, and pulmonary fibrosis. Identifiers: Orphanet 221043, MedGen C3810325, MONDO:0014310, OMIM 615704.

Submissions (2):

GeneDx
Classification: Pathogenic. Last evaluated: 2025-09-29. Review status: criteria provided, single submitter. Criteria: GeneDx Variant Classification Process June 2021. Collection method: clinical testing. Allele origin: germline.
Comment: In silico analysis supports that this missense variant has a deleterious effect on protein structure/function; Not observed at significant frequency in large population cohorts (gnomAD); This variant is associated with the following publications: (PMID: 36102338, 35601499, 38474092)

Hereditary Skin Disease Team, Hokkaido University
Classification: Pathogenic for Hereditary sclerosing poikiloderma with tendon and pulmonary involvement. Last evaluated: 2022-04-05. Review status: criteria provided, single submitter. Criteria: ACMG Guidelines, 2015. Collection method: clinical testing. Allele origin: de novo. Affected: yes. Observed: 17 heterozygotes. Clinical features observed: Short stature, Poikiloderma, Muscle weakness, Lagophthalmos, Sparse scalp hair, Absent eyebrows, Absent eyelashes, Sclerosis of skin, Predominantly lower limb lymphedema, Achilles tendon contracture, Hypoplasia of hands, Hypoplasia of feet, and 7 more. Segregation with disease not observed.

NM_198947.4(FAM111B):c.1886T>G (p.Phe629Cys)

Gene: FAM111B (FAM111 trypsin like peptidase B; plus strand). Cytogenetic location: 11q12.1.
Variant type: single nucleotide variant.
Coding change: c.1886T>G on transcript NM_198947.4 (MANE Select); coding-DNA position 1886, T replaced by G.
Protein change: p.Phe629Cys; replaces phenylalanine 629 with cysteine.
Molecular consequence: missense variant.
Genome position (GRCh38, 1-based): chr11:59,125,983, T>G. VCF-style: chr11-59125983-T-G. GRCh37 (hg19) VCF-style: chr11-58893456-T-G.
Other names: c.1886T>G (NM_198947.3); c.1796T>G, p.Phe599Cys (NM_001142703.2, NM_001142704.2); short protein forms F599C, F629C.
Identifiers: ClinVar variation 1676282 (VCV001676282.3), dbSNP rs2135405575, ClinGen allele CA380762798.